The following is an entry in ClinVar:

NM_001395490.1(TRERF1):c.2994G>A (p.Thr998=)

Gene: TRERF1 (transcriptional regulating factor 1; minus strand). Cytogenetic location: 6p21.1.
Variant type: single nucleotide variant.
Coding change: c.2994G>A on transcript NM_001395490.1 (MANE Select); coding-DNA position 2994, G replaced by A.
Protein change: p.Thr998=; no amino-acid change (threonine 998 retained).
Molecular consequence: synonymous variant.
Genome position (GRCh38, 1-based): chr6:42,236,277, C>T on the plus strand (G>A on the coding strand, the complement: TRERF1 is on the minus strand). VCF-style: chr6-42236277-C-T. GRCh37 (hg19) VCF-style: chr6-42204015-C-T.
Other names: NC_000006.11:g.42204015C>T; c.3054G>A, p.Thr1018= (NM_001297573.2, NM_001297574.1); c.2994G>A, p.Thr998= (NM_001391983.1, NM_033502.4); c.2745G>A, p.Thr915= (NM_001391984.1).
Identifiers: ClinVar variation 2656550 (VCV002656550.25), dbSNP rs539205473, ClinGen allele CA3806145.

ClinVar aggregate classification (germline): Likely benign (1 of 4 stars; one submission).

Allele frequency attached by ClinVar (database versions not stated): TOPMed 0.00006; gnomAD 0.00009; 1000 Genomes Project 30x 0.00016; ExAC 0.00018; 1000 Genomes Project 0.00020.
gnomAD v4.1: 126 of 1,612,710 alleles (0.0078%); highest among the groups gnomAD compares: South Asian, 0.075%; no homozygotes.

Submissions (2):

CeGaT Center for Human Genetics Tuebingen
Classification: Likely benign. Last evaluated: 2023-05-01. Review status: criteria provided, single submitter. Criteria: CeGaT Center For Human Genetics Tuebingen Variant Classification Criteria Version 2. Collection method: clinical testing. Allele origin: germline. Affected: yes. Observed: 1 variant allele.
Comment: TRERF1: BP4, BP7

Dr. Peter K. Rogan Lab, Western University
No classification provided (evidence only). Condition: Familial cancer of breast. Review status: no classification provided. Collection method: in vitro. Allele origin: not applicable. Functional consequence: skipped exon. Not counted in ClinVar's aggregate classification.